The following is an entry in ClinVar:

NM_006766.5(KAT6A):c.3154T>G (p.Ser1052Ala)

Gene: KAT6A (lysine acetyltransferase 6A; minus strand). Cytogenetic location: 8p11.21.
Variant type: single nucleotide variant.
Coding change: c.3154T>G on transcript NM_006766.5 (MANE Select); coding-DNA position 3154, T replaced by G.
Protein change: p.Ser1052Ala; replaces serine 1052 with alanine.
Molecular consequence: missense variant.
Genome position (GRCh38, 1-based): chr8:41,937,454, A>C on the plus strand (T>G on the coding strand, the complement: KAT6A is on the minus strand). VCF-style: chr8-41937454-A-C. GRCh37 (hg19) VCF-style: chr8-41794972-A-C.
Other names: short protein forms S1052A.
Identifiers: ClinVar variation 4747375 (VCV004747375.1).

ClinVar aggregate classification (germline): Uncertain significance (1 of 4 stars; one submission).

Submission:

Labcorp Genetics (formerly Invitae), Labcorp
Classification: Uncertain significance. Last evaluated: 2025-08-18. Review status: criteria provided, single submitter. Criteria: Invitae Variant Classification Sherloc (09022015). Collection method: clinical testing. Allele origin: germline.
Comment: This sequence change replaces serine, which is neutral and polar, with alanine, which is neutral and non-polar, at codon 1052 of the KAT6A protein (p.Ser1052Ala). This variant is not present in population databases (gnomAD no frequency). This variant has not been reported in the literature in individuals affected with KAT6A-related conditions. Invitae Evidence Modeling of protein sequence and biophysical properties (such as structural, functional, and spatial information, amino acid conservation, physicochemical variation, residue mobility, and thermodynamic stability) indicates that this missense variant is not expected to disrupt KAT6A protein function with a negative predictive value of 95%. In summary, the available evidence is currently insufficient to determine the role of this variant in disease. Therefore, it has been classified as a Variant of Uncertain Significance.